The following is an entry in ClinVar:

NM_002206.3(ITGA7):c.2471T>G (p.Val824Gly)

Genes: ITGA7 (integrin subunit alpha 7; minus strand), LOC126861535 (CDK7 strongly-dependent group 2 enhancer GRCh37_chr12:56087579-56088778; plus strand). Cytogenetic location: 12q13.2.
Variant type: single nucleotide variant.
Coding change: c.2471T>G on transcript NM_002206.3 (MANE Select); coding-DNA position 2471, T replaced by G.
Protein change: p.Val824Gly; replaces valine 824 with glycine.
Molecular consequence: missense variant.
Genome position (GRCh38, 1-based): chr12:55,694,085, A>C on the plus strand (T>G on the coding strand, the complement: ITGA7 is on the minus strand). VCF-style: chr12-55694085-A-C. GRCh37 (hg19) VCF-style: chr12-56087869-A-C.
Other names: c.2483T>G, p.Val828Gly (NM_001144996.2); c.2192T>G, p.Val731Gly (NM_001144997.2); c.2144T>G, p.Val715Gly (NM_001367993.1); c.1127T>G, p.Val376Gly (NM_001367994.1); c.2453T>G, p.Val818Gly (NM_001374465.1); c.2603T>G, p.Val868Gly (NM_001410977.1); c.2465T>G, p.Val822Gly (NM_001414029.1); c.2396T>G, p.Val799Gly (NM_001414030.1); and 5 more; short protein forms V731G, V828G, V818G, V715G, V824G, V376G, V868G, V749G.
Identifiers: ClinVar variation 1369811 (VCV001369811.8), dbSNP rs2135996532, ClinGen allele CA385182577.

ClinVar aggregate classification (germline): Uncertain significance (1 of 4 stars; one submission).

Conditions:
Congenital muscular dystrophy due to integrin alpha-7 deficiency. Also called: MYOPATHY, CONGENITAL, DUE TO INTEGRIN ALPHA-7 DEFICIENCY; Congenital muscular dystrophy with integrin alpha-7 deficiency; Muscular dystrophy, congenital, due to ITGA7 deficiency. Identifiers: Orphanet 34520, MedGen C2750786, MONDO:0013177, OMIM 613204.

Submission:

Labcorp Genetics (formerly Invitae), Labcorp
Classification: Uncertain significance for Congenital muscular dystrophy due to integrin alpha-7 deficiency. Last evaluated: 2023-10-03. Review status: criteria provided, single submitter. Criteria: Invitae Variant Classification Sherloc (09022015). Collection method: clinical testing. Allele origin: germline.
Comment: This sequence change replaces valine, which is neutral and non-polar, with glycine, which is neutral and non-polar, at codon 824 of the ITGA7 protein (p.Val824Gly). This variant is not present in population databases (gnomAD no frequency). This variant has not been reported in the literature in individuals affected with ITGA7-related conditions. ClinVar contains an entry for this variant (Variation ID: 1369811). Advanced modeling of protein sequence and biophysical properties (such as structural, functional, and spatial information, amino acid conservation, physicochemical variation, residue mobility, and thermodynamic stability) performed at Invitae indicates that this missense variant is expected to disrupt ITGA7 protein function. Algorithms developed to predict the effect of sequence changes on RNA splicing suggest that this variant may disrupt the consensus splice site. In summary, the available evidence is currently insufficient to determine the role of this variant in disease. Therefore, it has been classified as a Variant of Uncertain Significance.